The following is an entry in ClinVar:

NM_014921.5(ADGRL1):c.3256dup (p.Val1086fs)

Genes: ADGRL1 (adhesion G protein-coupled receptor L1; minus strand), ADGRL1-AS1 (ADGRL1 antisense RNA 1; plus strand). Cytogenetic location: 19p13.12.
Variant type: Duplication.
Coding change: c.3256dup on transcript NM_014921.5 (MANE Select); coding-DNA position 3256, one base duplicated (G; older notation c.3256dupG).
Protein change: p.Val1086fs; shifts the reading frame from valine 1086.
Molecular consequence: frameshift variant. On other transcripts: non-coding transcript variant (1).
Genome position (GRCh38, 1-based): chr19:14,155,397, C duplicated on the plus strand (G on the coding strand, the reverse complement: ADGRL1 is on the minus strand); the first of 5 consecutive C bases (chr19:14,155,397-14,155,401); duplicating any one gives the same sequence. VCF-style (leftmost placement, unchanged base first): chr19-14155396-A-AC. GRCh37 (hg19) VCF-style: chr19-14266208-A-AC.
Other names: c.3271dup, p.Val1091fs (NM_001008701.3); short protein forms V1086fs, V1091fs.
Identifiers: ClinVar variation 2663877 (VCV002663877.1), dbSNP rs2512766503, ClinGen allele CA2582911187.
Genomic context (GRCh38, chr19:14,155,396, plus strand): 5'-CCAGGACCCCGCCTCGACCTCACCTTCTTCTGTAAGGCGCAGTGAAAGACGAAGATGAAG[A>AC]CCCCCTGGAAGGCGTTGAAGGTGGTGAAGAGATAGGCCATGACCACCGACTCCTTGTTGA-3'

ClinVar aggregate classification (germline): Pathogenic (1 of 4 stars; one submission).

Conditions:
Developmental delay, behavioral abnormalities, and neuropsychiatric disorders (DEDBANP). Identifiers: MedGen C5774224, MONDO:0859292, OMIM 620065.

Submission:

Institute of Human Genetics, FAU Erlangen, Friedrich-Alexander-Universität Erlangen-Nürnberg
Classification: Pathogenic for Developmental delay, behavioral abnormalities, and neuropsychiatric disorders. Last evaluated: 2023-11-29. Review status: criteria provided, single submitter. Criteria: Hauer et al. (Genet Med. 2018). Collection method: clinical testing. Allele origin: germline. Inheritance: Autosomal dominant inheritance. Affected: yes. Observed: 1 variant allele.
Comment: This variant has been identified by standard clinical testing. de novo mutation. Selected ACMG criteria: Pathogenic (I):PM2;PS2;PVS1